The following is an entry in ClinVar:

NM_000440.3(PDE6A):c.1989dup (p.Ile664fs)

Gene: PDE6A (phosphodiesterase 6A; minus strand). Cytogenetic location: 5q32.
Variant type: Duplication.
Coding change: c.1989dup on transcript NM_000440.3 (MANE Select); coding-DNA position 1989, one base duplicated (C; older notation c.1989dupC).
Protein change: p.Ile664fs; shifts the reading frame from isoleucine 664.
Molecular consequence: frameshift variant.
Genome position (GRCh38, 1-based): chr5:149,884,517, G duplicated on the plus strand (C on the coding strand, the reverse complement: PDE6A is on the minus strand). VCF-style (leftmost placement, unchanged base first): chr5-149884516-T-TG. GRCh37 (hg19) VCF-style: chr5-149264079-T-TG.
Other names: short protein forms I664fs.
Identifiers: ClinVar variation 1075307 (VCV001075307.7), dbSNP rs2113553528, ClinGen allele CA2499217734.

ClinVar aggregate classification (germline): Pathogenic (1 of 4 stars; one submission).

Submission:

Labcorp Genetics (formerly Invitae), Labcorp
Classification: Pathogenic. Last evaluated: 2020-03-27. Review status: criteria provided, single submitter. Criteria: Invitae Variant Classification Sherloc (09022015). Collection method: clinical testing. Allele origin: germline.
Comment: This variant has not been reported in the literature in individuals with PDE6A-related conditions. This variant is not present in population databases (ExAC no frequency). This sequence change creates a premature translational stop signal (p.Ile664Hisfs*26) in the PDE6A gene. It is expected to result in an absent or disrupted protein product. Loss-of-function variants in PDE6A are known to be pathogenic (PMID: 7493036, 22128245, 23847139). For these reasons, this variant has been classified as Pathogenic.

Literature cited by the submitters: PubMed 7493036; PubMed 22128245; PubMed 23847139.